The following is an entry in ClinVar:

NM_002206.3(ITGA7):c.3158C>G (p.Ala1053Gly)

Gene: ITGA7 (integrin subunit alpha 7; minus strand). Cytogenetic location: 12q13.2.
Variant type: single nucleotide variant.
Coding change: c.3158C>G on transcript NM_002206.3 (MANE Select); coding-DNA position 3158, C replaced by G.
Protein change: p.Ala1053Gly; replaces alanine 1053 with glycine.
Molecular consequence: missense variant.
Genome position (GRCh38, 1-based): chr12:55,687,996, G>C on the plus strand (C>G on the coding strand, the complement: ITGA7 is on the minus strand). VCF-style: chr12-55687996-G-C. GRCh37 (hg19) VCF-style: chr12-56081780-G-C.
Other names: c.3170C>G, p.Ala1057Gly (NM_001144996.2); c.2879C>G, p.Ala960Gly (NM_001144997.2); c.2831C>G, p.Ala944Gly (NM_001367993.1); c.1814C>G, p.Ala605Gly (NM_001367994.1); c.3140C>G, p.Ala1047Gly (NM_001374465.1); c.3290C>G, p.Ala1097Gly (NM_001410977.1); c.3152C>G, p.Ala1051Gly (NM_001414029.1); c.3083C>G, p.Ala1028Gly (NM_001414030.1); and 5 more; short protein forms A1047G, A1057G, A944G, A960G, A1053G, A605G, A1097G, A1051G.
Identifiers: ClinVar variation 863712 (VCV000863712.13), dbSNP rs1239418668, ClinGen allele CA385180490.

ClinVar aggregate classification (germline): Uncertain significance. Review status: criteria provided, multiple submitters, no conflicts (2 of 4 stars). 3 submissions from 3 submitters: Uncertain significance (3). Last evaluated 2025-08-10.

Conditions:
Congenital muscular dystrophy due to integrin alpha-7 deficiency. Also called: MYOPATHY, CONGENITAL, DUE TO INTEGRIN ALPHA-7 DEFICIENCY; Congenital muscular dystrophy with integrin alpha-7 deficiency; Muscular dystrophy, congenital, due to ITGA7 deficiency. Identifiers: Orphanet 34520, MedGen C2750786, MONDO:0013177, OMIM 613204.

Submissions (3):

Ambry Genetics
Classification: Uncertain significance. Last evaluated: 2025-08-10. Review status: criteria provided, single submitter. Criteria: Ambry Variant Classification Scheme 2023. Collection method: clinical testing. Allele origin: germline.

Revvity Omics, Revvity
Classification: Uncertain significance for Congenital muscular dystrophy due to integrin alpha-7 deficiency. Last evaluated: 2021-11-04. Review status: criteria provided, single submitter. Criteria: ACMG Guidelines, 2015. Collection method: clinical testing. Allele origin: germline.

Labcorp Genetics (formerly Invitae), Labcorp
Classification: Uncertain significance for Congenital muscular dystrophy due to integrin alpha-7 deficiency. Last evaluated: 2019-12-08. Review status: criteria provided, single submitter. Criteria: Invitae Variant Classification Sherloc (09022015). Collection method: clinical testing. Allele origin: germline.
Comment: In summary, the available evidence is currently insufficient to determine the role of this variant in disease. Therefore, it has been classified as a Variant of Uncertain Significance. Algorithms developed to predict the effect of missense changes on protein structure and function are either unavailable or do not agree on the potential impact of this missense change (SIFT: "Tolerated"; PolyPhen-2: "Benign"; Align-GVGD: "Class C0"). This variant has not been reported in the literature in individuals with ITGA7-related conditions. This variant is not present in population databases (ExAC no frequency). This sequence change replaces alanine with glycine at codon 1053 of the ITGA7 protein (p.Ala1053Gly). The alanine residue is moderately conserved and there is a small physicochemical difference between alanine and glycine.